The following is an entry in ClinVar:

NC_000023.10:g.(?_31496203)_(31950364_?)del

Gene: DMD (dystrophin; minus strand). Cytogenetic location: Xp21.2-21.1.
Variant type: Deletion.
Identifiers: ClinVar variation 1073964 (VCV001073964.9).

ClinVar aggregate classification (germline): Pathogenic (1 of 4 stars; one submission).

Conditions:
Duchenne muscular dystrophy (DMD). Also called: MUSCULAR DYSTROPHY, PSEUDOHYPERTROPHIC PROGRESSIVE, DUCHENNE TYPE; Duchenne Muscular Dystrophy (DMD). Identifiers: Orphanet 98896, MedGen C0013264, MONDO:0010679, OMIM 310200.

Submission:

Labcorp Genetics (formerly Invitae), Labcorp
Classification: Pathogenic for Duchenne muscular dystrophy. Last evaluated: 2022-04-12. Review status: criteria provided, single submitter. Criteria: Invitae Variant Classification Sherloc (09022015). Collection method: clinical testing. Allele origin: germline.
Comment: This variant is a gross deletion of the genomic region encompassing exon(s) 46-59 of the DMD gene. This deletion is out-of-frame, and is expected to create a premature termination codon and result in an absent or disrupted protein product. Loss-of-function variants in DMD are known to be pathogenic (PMID: 16770791, 25007885). A similar copy number variant has been observed in individual(s) with Duchenne muscular dystrophy (PMID: 25972034). For these reasons, this variant has been classified as Pathogenic.

Literature cited by the submitters: PubMed 16770791; PubMed 25007885; PubMed 25972034.